The following is an entry in ClinVar:

ClinVar aggregate classification (germline): Uncertain significance (1 of 4 stars; one submission).

Allele frequency attached by ClinVar (database versions not stated): gnomAD 0.00001.
gnomAD v4.1: 4 of 1,613,996 alleles (0.00025%); highest among the groups gnomAD compares: Non-Finnish European, 0.00034%; no homozygotes.

Submission:

GeneDx
Classification: Uncertain significance. Last evaluated: 2019-12-27. Review status: criteria provided, single submitter. Criteria: GeneDx Variant Classification Process June 2021. Collection method: clinical testing. Allele origin: germline. Affected: yes.
Comment: Not observed in large population cohorts (Lek et al., 2016); In silico analysis, which includes protein predictors and evolutionary conservation, supports that this variant does not alter protein structure/function; Has not been previously published as pathogenic or benign to our knowledge

NM_030962.4(SBF2):c.5023C>T (p.Pro1675Ser)

Genes: SBF2 (SET binding factor 2; minus strand), SBF2-AS1 (SBF2 antisense RNA 1; plus strand), LOC105369149 (uncharacterized LOC105369149; plus strand). Cytogenetic location: 11p15.4.
Variant type: single nucleotide variant.
Coding change: c.5023C>T on transcript NM_030962.4 (MANE Select); coding-DNA position 5023, C replaced by T.
Protein change: p.Pro1675Ser; replaces proline 1675 with serine.
Molecular consequence: missense variant.
Genome position (GRCh38, 1-based): chr11:9,787,648, G>A on the plus strand (C>T on the coding strand, the complement: SBF2 is on the minus strand). VCF-style: chr11-9787648-G-A. GRCh37 (hg19) VCF-style: chr11-9809195-G-A.
Other names: c.5119C>T, p.Pro1707Ser (NM_001386339.1); c.4894C>T, p.Pro1632Ser (NM_001386342.1); short protein forms P1632S, P1675S, P1707S.
Identifiers: ClinVar variation 1311397 (VCV001311397.2), dbSNP rs776494289, ClinGen allele CA379632522.